The following is an entry in ClinVar:

NM_173628.4(DNAH17):c.450T>G (p.Phe150Leu)

Gene: DNAH17 (dynein axonemal heavy chain 17; minus strand). Cytogenetic location: 17q25.3.
Variant type: single nucleotide variant.
Coding change: c.450T>G on transcript NM_173628.4 (MANE Select); coding-DNA position 450, T replaced by G.
Protein change: p.Phe150Leu; replaces phenylalanine 150 with leucine.
Molecular consequence: missense variant.
Genome position (GRCh38, 1-based): chr17:78,572,790, A>C on the plus strand (T>G on the coding strand, the complement: DNAH17 is on the minus strand). VCF-style: chr17-78572790-A-C. GRCh37 (hg19) VCF-style: chr17-76568872-A-C.
Other names: short protein forms F150L.
Identifiers: ClinVar variation 3056041 (VCV003056041.2), dbSNP rs142471902, ClinGen allele CA8805640.
Genomic context (GRCh38, chr17:78,572,790, plus strand): 5'-GCTGCCCAGGTGCTCCGGAATAGGCAGCAAGGTTTTGCCTTTGATCTTGCCACTCATCAC[A>C]AACATTTCATTCTTCAGCCTGTGGACCTGCTTCACGATGTCTTCCGAGACCACCTGGGGC-3'
Protein context (NP_775899.3, residues 140-160): KQVHRLKNEM[Phe150Leu]VMSGKIKGKT

ClinVar aggregate classification (germline): Benign (0 of 4 stars; one submission).

Conditions:
DNAH17-related disorder. Also called: DNAH17-related condition.

Allele frequency attached by ClinVar (database versions not stated): ESP Exome Variant Server 0.00048; gnomAD 0.00334; 1000 Genomes Project 30x 0.01374; 1000 Genomes Project 0.01478.
gnomAD v4.1: 6,802 of 1,613,874 alleles (0.42%); highest among the groups gnomAD compares: South Asian, 3.9%; 144 homozygotes.

Submission:

PreventionGenetics, part of Exact Sciences
Classification: Benign for DNAH17-related condition. Last evaluated: 2019-04-25. Review status: no assertion criteria provided. Collection method: clinical testing. Allele origin: germline.
Comment: This variant is classified as benign based on ACMG/AMP sequence variant interpretation guidelines (Richards et al. 2015 PMID: 25741868, with internal and published modifications).